The following is an entry in ClinVar:

ClinVar aggregate classification (germline): Uncertain significance. Review status: criteria provided, multiple submitters, no conflicts (2 of 4 stars). 3 submissions from 3 submitters: Uncertain significance (2). 1 of the submissions does not count toward it. Last evaluated 2024-05-10.

Conditions:
Bardet-Biedl syndrome 1 (BBS1). Identifiers: MedGen C2936862, MONDO:0008854, OMIM 209900. Disease mechanism: loss of function.
BBS1-related disorder. Also called: BBS1-related condition.
Bardet-Biedl syndrome (BBS). Identifiers: Orphanet 110, MedGen C0752166, MONDO:0015229.

Allele frequency attached by ClinVar (database versions not stated): gnomAD exomes 0.00001 and 0.00002; ExAC 0.00001; TOPMed 0.00001.
gnomAD v4.1: 6 of 1,614,188 alleles (0.00037%); highest among the groups gnomAD compares: Admixed American, 0.01%; no homozygotes.

Submissions (3):

Fulgent Genetics
Classification: Uncertain significance for Bardet-Biedl syndrome 1. Last evaluated: 2024-05-10. Review status: criteria provided, single submitter. Criteria: ACMG Guidelines, 2015. Collection method: clinical testing. Allele origin: germline.

Labcorp Genetics (formerly Invitae), Labcorp
Classification: Uncertain significance for Bardet-Biedl syndrome. Last evaluated: 2021-09-05. Review status: criteria provided, single submitter. Criteria: Invitae Variant Classification Sherloc (09022015). Collection method: clinical testing. Allele origin: germline.
Comment: This sequence change replaces glycine with arginine at codon 270 of the BBS1 protein (p.Gly270Arg). The glycine residue is highly conserved and there is a moderate physicochemical difference between glycine and arginine. This variant is present in population databases (rs754465006, ExAC 0.009%). This variant has not been reported in the literature in individuals affected with BBS1-related conditions. Algorithms developed to predict the effect of missense changes on protein structure and function (SIFT, PolyPhen-2, Align-GVGD) all suggest that this variant is likely to be disruptive. Algorithms developed to predict the effect of sequence changes on RNA splicing suggest that this variant may create or strengthen a splice site. In summary, the available evidence is currently insufficient to determine the role of this variant in disease. Therefore, it has been classified as a Variant of Uncertain Significance.

PreventionGenetics, part of Exact Sciences
Classification: Uncertain significance for BBS1-related condition. Last evaluated: 2024-08-28. Review status: no assertion criteria provided. Collection method: clinical testing. Allele origin: germline. Not counted in ClinVar's aggregate classification.
Comment: The BBS1 c.808G>A variant is predicted to result in the amino acid substitution p.Gly270Arg. To our knowledge, this variant has not been reported in the literature. This variant is reported in 0.014% of alleles in individuals of Latino descent in gnomAD. At this time, the clinical significance of this variant is uncertain due to the absence of conclusive functional and genetic evidence.

NM_024649.5(BBS1):c.808G>A (p.Gly270Arg)

Genes: BBS1 (Bardet-Biedl syndrome 1; plus strand), ZDHHC24 (zDHHC palmitoyltransferase 24; minus strand). Cytogenetic location: 11q13.2.
Variant type: single nucleotide variant.
Coding change: c.808G>A on transcript NM_024649.5 (MANE Select); coding-DNA position 808, G replaced by A.
Protein change: p.Gly270Arg; replaces glycine 270 with arginine.
Molecular consequence: missense variant. On other transcripts: 3 prime UTR variant (1).
Genome position (GRCh38, 1-based): chr11:66,521,354, G>A. VCF-style: chr11-66521354-G-A. GRCh37 (hg19) VCF-style: chr11-66288825-G-A.
Other names: c.*134C>T (NM_001348571.2); c.808G>A (NM_024649.4); short protein forms G270R.
Identifiers: ClinVar variation 1490603 (VCV001490603.8), dbSNP rs754465006, ClinGen allele CA6123503.